The following is an entry in ClinVar:

NM_002439.5(MSH3):c.3236del (p.Pro1079fs)

Gene: MSH3 (mutS homolog 3; plus strand). Cytogenetic location: 5q14.1.
Variant type: Deletion.
Coding change: c.3236del on transcript NM_002439.5 (MANE Select); coding-DNA position 3236, one base deleted (C; older notation c.3236delC).
Protein change: p.Pro1079fs; shifts the reading frame from proline 1079.
Molecular consequence: frameshift variant.
Genome position (GRCh38, 1-based): chr5:80,873,221, C deleted; the last of 2 consecutive C bases (chr5:80,873,220-80,873,221); deleting either gives the same sequence. VCF-style (leftmost placement, unchanged base first): chr5-80873219-TC-T. GRCh37 (hg19) VCF-style: chr5-80169038-TC-T.
Other names: short protein forms P1079fs.
Identifiers: ClinVar variation 1406018 (VCV001406018.6), dbSNP rs2112128814, ClinGen allele CA2573139918.

ClinVar aggregate classification (germline): Pathogenic (1 of 4 stars; one submission).

Submission:

Labcorp Genetics (formerly Invitae), Labcorp
Classification: Pathogenic. Last evaluated: 2021-01-09. Review status: criteria provided, single submitter. Criteria: Invitae Variant Classification Sherloc (09022015). Collection method: clinical testing. Allele origin: germline.
Comment: This variant has not been reported in the literature in individuals with MSH3-related conditions. For these reasons, this variant has been classified as Pathogenic. This variant is not present in population databases (ExAC no frequency). This sequence change creates a premature translational stop signal (p.Pro1079Leufs*5) in the MSH3 gene. It is expected to result in an absent or disrupted protein product. Loss-of-function variants in MSH3 are known to be pathogenic (PMID: 27476653).

Literature cited by the submitters: PubMed 27476653.